The following is an entry in ClinVar:

NM_004113.6(FGF12):c.326G>A (p.Arg109Gln)

Gene: FGF12 (fibroblast growth factor 12; minus strand). Cytogenetic location: 3q28.
Variant type: single nucleotide variant.
Coding change: c.326G>A on transcript NM_004113.6 (MANE Select); coding-DNA position 326, G replaced by A.
Protein change: p.Arg109Gln; replaces arginine 109 with glutamine.
Molecular consequence: missense variant.
Genome position (GRCh38, 1-based): chr3:192,170,559, C>T on the plus strand (G>A on the coding strand, the complement: FGF12 is on the minus strand). VCF-style: chr3-192170559-C-T. GRCh37 (hg19) VCF-style: chr3-191888348-C-T.
Other names: c.215G>A, p.Arg72Gln (NM_001377292.1); c.254G>A, p.Arg85Gln (NM_001377293.1, NM_001377294.1); c.512G>A, p.Arg171Gln (NM_021032.5); short protein forms R109Q, R171Q, R72Q, R85Q.
Identifiers: ClinVar variation 4778142 (VCV004778142.1).

ClinVar aggregate classification (germline): Uncertain significance (1 of 4 stars; one submission).

Submission:

Labcorp Genetics (formerly Invitae), Labcorp
Classification: Uncertain significance. Last evaluated: 2025-03-03. Review status: criteria provided, single submitter. Criteria: Invitae Variant Classification Sherloc (09022015). Collection method: clinical testing. Allele origin: germline.
Comment: This sequence change replaces arginine, which is basic and polar, with glutamine, which is neutral and polar, at codon 171 of the FGF12 protein (p.Arg171Gln). This variant is present in population databases (no rsID available, gnomAD 0.01%). This variant has not been reported in the literature in individuals affected with FGF12-related conditions. Invitae Evidence Modeling of protein sequence and biophysical properties (such as structural, functional, and spatial information, amino acid conservation, physicochemical variation, residue mobility, and thermodynamic stability) indicates that this missense variant is expected to disrupt FGF12 protein function with a positive predictive value of 80%. In summary, the available evidence is currently insufficient to determine the role of this variant in disease. Therefore, it has been classified as a Variant of Uncertain Significance.